The following is an entry in ClinVar:

ClinVar aggregate classification (germline): Conflicting classifications of pathogenicity. Review status: criteria provided, conflicting classifications (1 of 4 stars). 5 submissions from 5 submitters: Uncertain significance (4); Benign (1). Last evaluated 2026-03-31.

Conditions:
MET-related disorder. Also called: MET-related condition.
Renal cell carcinoma. Identifiers: Orphanet 217071, MedGen C0007134, MeSH D002292, MONDO:0005086, HP:0005584.
Hereditary cancer-predisposing syndrome. Also called: Neoplastic Syndromes, Hereditary; Hereditary Cancer Syndrome; Tumor predisposition; Hereditary neoplastic syndrome. Identifiers: Orphanet 140162, MedGen C0027672, MeSH D009386, MONDO:0015356.
Papillary renal cell carcinoma type 1 (RCCP1). Also called: RENAL CELL CARCINOMA, PAPILLARY, 1, SOMATIC; Renal adenocarcinoma; Renal cell carcinoma 1; Renal cell carcinoma, somatic. Identifiers: Orphanet 47044, MedGen C1336839, OMIM 605074, HP:0011797.

gnomAD v4.1: 36 of 1,594,148 alleles (0.0023%); highest among the groups gnomAD compares: East Asian, 0.08%; 1 homozygote.

Submissions (5):

PreventionGenetics, part of Exact Sciences
Classification: Uncertain significance for MET-related condition. Last evaluated: 2026-03-31. Review status: criteria provided, single submitter. Criteria: ACMG Guidelines, 2015. Collection method: clinical testing. Allele origin: germline.
Comment: The MET c.1125C>G variant is predicted to result in the amino acid substitution p.Asn375Lys. This variant was reported in one family with multiple individuals having lung adenocarcinoma and functional studies showed this variant impacts MET function (Tode et al. 2017. PubMed ID: 28294470). This variant is reported in 0.029% of alleles in individuals of East Asian descent in gnomAD. This variant has conflicting interpretations in ClinVar ranging from uncertain to benign (Variation ID: 485743). At this time, the clinical significance of this variant is uncertain due to the absence of conclusive functional and genetic evidence.

Labcorp Genetics (formerly Invitae), Labcorp
Classification: Uncertain significance for Renal cell carcinoma. Last evaluated: 2026-01-13. Review status: criteria provided, single submitter. Criteria: Invitae Variant Classification Sherloc (09022015). Collection method: clinical testing. Allele origin: germline.
Comment: This sequence change replaces asparagine, which is neutral and polar, with lysine, which is basic and polar, at codon 375 of the MET protein (p.Asn375Lys). This variant is present in population databases (rs776693512, gnomAD 0.03%). This missense change has been observed in individual(s) with lung cancer (PMID: 28294470). ClinVar contains an entry for this variant (Variation ID: 485743). Invitae Evidence Modeling of protein sequence and biophysical properties (such as structural, functional, and spatial information, amino acid conservation, physicochemical variation, residue mobility, and thermodynamic stability) indicates that this missense variant is not expected to disrupt MET protein function with a negative predictive value of 80%. Experimental studies have shown that this missense change affects MET function (PMID: 28294470). In summary, the available evidence is currently insufficient to determine the role of this variant in disease. Therefore, it has been classified as a Variant of Uncertain Significance.

Ambry Genetics
Classification: Benign for Hereditary cancer-predisposing syndrome. Last evaluated: 2024-07-02. Review status: criteria provided, single submitter. Criteria: Ambry Variant Classification Scheme 2023. Collection method: clinical testing. Allele origin: germline.

GeneDx
Classification: Uncertain significance. Last evaluated: 2024-06-10. Review status: criteria provided, single submitter. Criteria: GeneDx Variant Classification Process June 2021. Collection method: clinical testing. Allele origin: germline.
Comment: Not observed at significant frequency in large population cohorts (gnomAD); In silico analysis indicates that this missense variant does not alter protein structure/function; Published functional studies demonstrate reduced proliferation capacity and impaired pathway activation (PMID: 28294470); This variant is associated with the following publications: (PMID: 31342590, 33854337, 28294470)

Mendelics
Classification: Uncertain significance for Renal cell carcinoma, papillary, 1. Last evaluated: 2018-07-02. Review status: criteria provided, single submitter. Criteria: Mendelics Assertion Criteria 2017. Collection method: clinical testing. Allele origin: unknown.

Literature cited by the submitters: PubMed 28294470 (cited by Labcorp Genetics (formerly Invitae), Labcorp and Ambry Genetics).

NM_000245.4(MET):c.1125C>G (p.Asn375Lys)

Gene: MET (MET proto-oncogene, receptor tyrosine kinase; plus strand). Cytogenetic location: 7q31.2.
Variant type: single nucleotide variant.
Coding change: c.1125C>G on transcript NM_000245.4 (MANE Select); coding-DNA position 1125, C replaced by G.
Protein change: p.Asn375Lys; replaces asparagine 375 with lysine.
Molecular consequence: missense variant. On other transcripts: intron variant (1).
Genome position (GRCh38, 1-based): chr7:116,700,209, C>G. VCF-style: chr7-116700209-C-G. GRCh37 (hg19) VCF-style: chr7-116340263-C-G.
Other names: c.1125C>G (NM_001127500.2); c.1125C>G, p.Asn375Lys (NM_001127500.3, NM_001324401.3); c.-91+27632C>G (NM_001324402.2); short protein forms N375K.
Identifiers: ClinVar variation 485743 (VCV000485743.16), dbSNP rs776693512, ClinGen allele CA4448074.